The following is an entry in ClinVar:

NM_016013.4(NDUFAF1):c.-386A>T

Gene: NDUFAF1 (NADH:ubiquinone oxidoreductase complex assembly factor 1; minus strand). Cytogenetic location: 15q15.1.
Variant type: single nucleotide variant.
Coding change: c.-386A>T on transcript NM_016013.4 (MANE Select); 386 bases upstream of the start codon, A replaced by T.
Molecular consequence: 5 prime UTR variant. On other transcripts: non-coding transcript variant (1).
Genome position (GRCh38, 1-based): chr15:41,402,448, T>A on the plus strand (A>T on the coding strand, the complement: NDUFAF1 is on the minus strand). VCF-style: chr15-41402448-T-A. GRCh37 (hg19) VCF-style: chr15-41694646-T-A.
Identifiers: ClinVar variation 315887 (VCV000315887.8), dbSNP rs111326645, ClinGen allele CA7491452.

ClinVar aggregate classification (germline): Benign/Likely benign. Review status: criteria provided, multiple submitters, no conflicts (2 of 4 stars). 2 submissions from 2 submitters: Benign (1); Likely benign (1). Last evaluated 2018-06-29.

Conditions:
Mitochondrial complex I deficiency, nuclear type 1. Also called: NADH-COENZYME Q REDUCTASE DEFICIENCY; MITOCHONDRIAL NADH DEHYDROGENASE COMPONENT OF COMPLEX I, DEFICIENCY OF. Identifiers: MedGen C6022305, MONDO:0100224, OMIM 252010.

Allele frequency attached by ClinVar (database versions not stated): gnomAD exomes 0.02787; gnomAD 0.02811 and 0.02877; TOPMed 0.03010; 1000 Genomes Project 0.04093; 1000 Genomes Project 30x 0.04201.
gnomAD v4.1: 11,597 of 422,968 alleles (2.7%); highest among the groups gnomAD compares: Middle Eastern, 7.7%; 279 homozygotes.

Submissions (2):

GeneDx
Classification: Benign. Last evaluated: 2018-06-29. Review status: criteria provided, single submitter. Criteria: GeneDx Variant Classification Process June 2021. Collection method: clinical testing. Allele origin: germline. Affected: yes.

Illumina Laboratory Services, Illumina
Classification: Likely benign for Mitochondrial complex I deficiency, nuclear type 1. Last evaluated: 2018-01-13. Review status: criteria provided, single submitter. Criteria: ICSL Variant Classification Criteria 13 December 2019. Collection method: clinical testing. Allele origin: germline.
Comment: This variant was observed in the ICSL laboratory as part of a predisposition screen in an ostensibly healthy population. It had not been previously curated by ICSL or reported in the Human Gene Mutation Database (HGMD: prior to June 1st, 2018), and was therefore a candidate for classification through an automated scoring system. Utilizing variant allele frequency, disease prevalence and penetrance estimates, and inheritance mode, an automated score was calculated to assess if this variant is too frequent to cause the disease. Based on the score and internal cut-off values, a variant classified as likely benign is not then subjected to further curation. The score for this variant resulted in a classification of likely benign for this disease.